The following is an entry in ClinVar:

ClinVar aggregate classification (germline): Uncertain significance (1 of 4 stars; one submission).

Allele frequency attached by ClinVar (database versions not stated): gnomAD exomes 0.00004; gnomAD 0.00010.
gnomAD v4.1: 89 of 1,598,356 alleles (0.0056%); highest among the groups gnomAD compares: Non-Finnish European, 0.0068%; 1 homozygote.

Submission:

CeGaT Center for Human Genetics Tuebingen
Classification: Uncertain significance. Last evaluated: 2024-02-01. Review status: criteria provided, single submitter. Criteria: CeGaT Center For Human Genetics Tuebingen Variant Classification Criteria Version 2. Collection method: clinical testing. Allele origin: germline. Affected: yes. Observed: 2 variant alleles.
Comment: FLG: PM2, BP4

NM_002016.2(FLG):c.6748G>A (p.Glu2250Lys)

Genes: CCDST (cervical cancer associated DHX9 suppressive transcript; plus strand), FLG (filaggrin; minus strand). Cytogenetic location: 1q21.3.
Variant type: single nucleotide variant.
Coding change: c.6748G>A on transcript NM_002016.2 (MANE Select); coding-DNA position 6748, G replaced by A.
Protein change: p.Glu2250Lys; replaces glutamic acid 2250 with lysine.
Molecular consequence: missense variant.
Genome position (GRCh38, 1-based): chr1:152,308,138, C>T on the plus strand (G>A on the coding strand, the complement: FLG is on the minus strand). VCF-style: chr1-152308138-C-T. GRCh37 (hg19) VCF-style: chr1-152280614-C-T.
Other names: short protein forms E2250K.
Identifiers: ClinVar variation 806214 (VCV000806214.42), dbSNP rs3120645, ClinGen allele CA1105070.